The following is an entry in ClinVar:

ClinVar aggregate classification (germline): Uncertain significance (1 of 4 stars; one submission).

Conditions:
Inborn genetic diseases. Identifiers: MedGen C0950123, MeSH D030342.

gnomAD v4.1: 5 of 1,575,398 alleles (0.00032%); highest among the groups gnomAD compares: African/African-American, 0.0068%; no homozygotes.

Submission:

Ambry Genetics
Classification: Uncertain significance for Inborn genetic diseases. Last evaluated: 2024-11-26. Review status: criteria provided, single submitter. Criteria: Ambry Variant Classification Scheme 2023. Collection method: clinical testing. Allele origin: germline.
Comment: The p.V652A variant (also known as c.1955T>C), located in coding exon 12 of the RECQL4 gene, results from a T to C substitution at nucleotide position 1955. The valine at codon 652 is replaced by alanine, an amino acid with similar properties. This amino acid position is conserved. In addition, the in silico prediction for this alteration is inconclusive. Based on the available evidence, the clinical significance of this variant remains unclear.

NM_004260.4(RECQL4):c.1955T>C (p.Val652Ala)

Gene: RECQL4 (RecQ like helicase 4; minus strand). Cytogenetic location: 8q24.3.
Variant type: single nucleotide variant.
Coding change: c.1955T>C on transcript NM_004260.4 (MANE Select); coding-DNA position 1955, T replaced by C.
Protein change: p.Val652Ala; replaces valine 652 with alanine.
Molecular consequence: missense variant. On other transcripts: non-coding transcript variant (3).
Genome position (GRCh38, 1-based): chr8:144,514,031, A>G on the plus strand (T>C on the coding strand, the complement: RECQL4 is on the minus strand). VCF-style: chr8-144514031-A-G. GRCh37 (hg19) VCF-style: chr8-145739415-A-G.
Other names: c.1859T>C, p.Val620Ala (NM_001413017.1, NM_001413020.1); c.1955T>C, p.Val652Ala (NM_001413018.1, NM_001413019.1, NM_001413036.1); c.884T>C, p.Val295Ala (NM_001413021.1, NM_001413022.1, NM_001413023.1 and 6 more transcripts); c.1826T>C, p.Val609Ala (NM_001413025.1); c.818T>C, p.Val273Ala (NM_001413027.1, NM_001413030.1, NM_001413032.1 and 1 more transcripts); c.1604T>C, p.Val535Ala (NM_001413029.1); c.686T>C, p.Val229Ala (NM_001413031.1); c.1823T>C, p.Val608Ala (NM_001413033.1); and 4 more; short protein forms V163A, V229A, V535A, V609A, V652A, V251A, V273A, V620A.
Identifiers: ClinVar variation 3431887 (VCV003431887.1).
Genomic context (GRCh38, chr8:144,514,031, plus strand): 5'-GTGGGAACTGGGGCTGGCCCGTGGAGGTCAGGCTCTTCAGCCACAGCCAGGTGCTGTGCC[A>G]CGTCACTGGCAGTGCGGCGTGTGGCTGTGGCTGTGAGGCCCAGGAAGCAGTGCACGCCCA-3'
Protein context (NP_004251.4, residues 642-662): ATATRRTASD[Val652Ala]AQHLAVAEEP